The following is an entry in ClinVar:

NM_021098.3(CACNA1H):c.5410G>A (p.Val1804Met)

Gene: CACNA1H (calcium voltage-gated channel subunit alpha1 H; plus strand). Cytogenetic location: 16p13.3.
Variant type: single nucleotide variant.
Coding change: c.5410G>A on transcript NM_021098.3 (MANE Select); coding-DNA position 5410, G replaced by A.
Protein change: p.Val1804Met; replaces valine 1804 with methionine.
Molecular consequence: missense variant.
Genome position (GRCh38, 1-based): chr16:1,218,005, G>A. VCF-style: chr16-1218005-G-A. GRCh37 (hg19) VCF-style: chr16-1268005-G-A.
Other names: c.5392G>A, p.Val1798Met (NM_001005407.2); c.5410G>A (NM_021098.2); short protein forms V1798M, V1804M.
Identifiers: ClinVar variation 2927057 (VCV002927057.4), dbSNP rs556889010, ClinGen allele CA7801998.

ClinVar aggregate classification (germline): Uncertain significance. Review status: criteria provided, multiple submitters, no conflicts (2 of 4 stars). 2 submissions from 2 submitters: Uncertain significance (2). Last evaluated 2025-07-31.

Conditions:
Idiopathic generalized epilepsy. Also called: Generalised epilepsy; EIG. Identifiers: MedGen C0270850, MONDO:0005579, OMIM 600669.
Hyperaldosteronism, familial, type IV (HALD4). Also called: FH IV; ALDOSTERONISM, PRIMARY, AND HYPERTENSION. Identifiers: Orphanet 642671, MedGen C4310756, MONDO:0014875, OMIM 617027.
Inborn genetic diseases. Identifiers: MedGen C0950123, MeSH D030342.

Allele frequency attached by ClinVar (database versions not stated): 1000 Genomes Project 0.00020; TOPMed 0.00001; 1000 Genomes Project 30x 0.00016; gnomAD 0.00003.
gnomAD v4.1: 29 of 1,601,752 alleles (0.0018%); highest among the groups gnomAD compares: East Asian, 0.0023%; no homozygotes.

Submissions (2):

Ambry Genetics
Classification: Uncertain significance for Inborn genetic diseases. Last evaluated: 2025-07-31. Review status: criteria provided, single submitter. Criteria: Ambry Variant Classification Scheme 2023. Collection method: clinical testing. Allele origin: germline.

Labcorp Genetics (formerly Invitae), Labcorp
Classification: Uncertain significance for Idiopathic generalized epilepsy; Hyperaldosteronism, familial, type IV. Last evaluated: 2025-02-24. Review status: criteria provided, single submitter. Criteria: Invitae Variant Classification Sherloc (09022015). Collection method: clinical testing. Allele origin: germline.
Comment: This sequence change replaces valine, which is neutral and non-polar, with methionine, which is neutral and non-polar, at codon 1804 of the CACNA1H protein (p.Val1804Met). This variant is present in population databases (rs556889010, gnomAD 0.01%). This variant has not been reported in the literature in individuals affected with CACNA1H-related conditions. ClinVar contains an entry for this variant (Variation ID: 2927057). Invitae Evidence Modeling of protein sequence and biophysical properties (such as structural, functional, and spatial information, amino acid conservation, physicochemical variation, residue mobility, and thermodynamic stability) indicates that this missense variant is expected to disrupt CACNA1H protein function with a positive predictive value of 80%. In summary, the available evidence is currently insufficient to determine the role of this variant in disease. Therefore, it has been classified as a Variant of Uncertain Significance.